The following is an entry in ClinVar:

NM_014855.3(AP5Z1):c.1334C>T (p.Pro445Leu)

Gene: AP5Z1 (adaptor related protein complex 5 subunit zeta 1; plus strand). Cytogenetic location: 7p22.1.
Variant type: single nucleotide variant.
Coding change: c.1334C>T on transcript NM_014855.3 (MANE Select); coding-DNA position 1334, C replaced by T.
Protein change: p.Pro445Leu; replaces proline 445 with leucine.
Molecular consequence: missense variant. On other transcripts: non-coding transcript variant (1).
Genome position (GRCh38, 1-based): chr7:4,787,656, C>T. VCF-style: chr7-4787656-C-T. GRCh37 (hg19) VCF-style: chr7-4827287-C-T.
Other names: c.1334C>T, p.Pro445Leu (LRG_1247t1); c.866C>T, p.Pro289Leu (NM_001364858.1); short protein forms P445L, P289L.
Identifiers: ClinVar variation 360326 (VCV000360326.11), dbSNP rs566333309, ClinGen allele CA4137766.

ClinVar aggregate classification (germline): Uncertain significance. Review status: criteria provided, multiple submitters, no conflicts (2 of 4 stars). 4 submissions from 4 submitters: Uncertain significance (4). Last evaluated 2024-11-29.

Conditions:
Hereditary spastic paraplegia 48. Also called: Spastic paraplegia 48; SPASTIC PARAPLEGIA 48, AUTOSOMAL RECESSIVE. Identifiers: Orphanet 306511, MedGen C3150901, MONDO:0013342, OMIM 613647.

Allele frequency attached by ClinVar (database versions not stated): gnomAD 0.00006 and 0.00013; TOPMed 0.00011; ExAC 0.00015; gnomAD exomes 0.00017 and 0.00020; 1000 Genomes Project 0.00060; 1000 Genomes Project 30x 0.00062.
gnomAD v4.1: 306 of 1,553,290 alleles (0.02%); highest among the groups gnomAD compares: East Asian, 0.68%; no homozygotes.

Submissions (4):

Women's Health and Genetics/Laboratory Corporation of America, LabCorp
Classification: Uncertain significance. Last evaluated: 2024-11-29. Review status: criteria provided, single submitter. Criteria: LabCorp Variant Classification Summary - May 2015. Collection method: clinical testing. Allele origin: germline.
Comment: Variant summary: AP5Z1 c.1334C>T (p.Pro445Leu) results in a non-conservative amino acid change in the encoded protein sequence. Three of five in-silico tools predict a benign effect of the variant on protein function. The variant allele was found at a frequency of 0.00017 in 158414 control chromosomes (gnomAD). This frequency is not significantly higher than estimated for a pathogenic variant in AP5Z1 causing Hereditary Spastic Paraplegia 48, allowing no conclusion about variant significance. c.1334C>T has been reported in the literature without strong evidence for or against pathogenicity (example: Wang_2024) . This report does not provide unequivocal conclusions about association of the variant with hereditary spastic paraplegia 48. To our knowledge, no experimental evidence demonstrating an impact on protein function has been reported. The following publication has been ascertained in the context of this evaluation (PMID: 38292225). ClinVar contains an entry for this variant (Variation ID: 360326). Based on the evidence outlined above, the variant was classified as uncertain significance.

Blueprint Genetics
Classification: Uncertain significance. Last evaluated: 2024-10-23. Review status: criteria provided, single submitter. Criteria: ACMG Guidelines, 2015. Collection method: clinical testing. Allele origin: germline.

Labcorp Genetics (formerly Invitae), Labcorp
Classification: Uncertain significance for Hereditary spastic paraplegia 48. Last evaluated: 2022-08-23. Review status: criteria provided, single submitter. Criteria: Invitae Variant Classification Sherloc (09022015). Collection method: clinical testing. Allele origin: germline.
Comment: This sequence change replaces proline, which is neutral and non-polar, with leucine, which is neutral and non-polar, at codon 445 of the AP5Z1 protein (p.Pro445Leu). This variant is present in population databases (rs566333309, gnomAD 0.2%). This variant has not been reported in the literature in individuals affected with AP5Z1-related conditions. ClinVar contains an entry for this variant (Variation ID: 360326). Algorithms developed to predict the effect of missense changes on protein structure and function are either unavailable or do not agree on the potential impact of this missense change (SIFT: "Deleterious"; PolyPhen-2: "Benign"; Align-GVGD: "Class C0"). Algorithms developed to predict the effect of sequence changes on RNA splicing suggest that this variant is not likely to affect RNA splicing. In summary, the available evidence is currently insufficient to determine the role of this variant in disease. Therefore, it has been classified as a Variant of Uncertain Significance.

Illumina Laboratory Services, Illumina
Classification: Uncertain significance for Hereditary spastic paraplegia 48. Last evaluated: 2018-01-13. Review status: criteria provided, single submitter. Criteria: ICSL Variant Classification Criteria 13 December 2019. Collection method: clinical testing. Allele origin: germline.

Literature cited by the submitters: PubMed 38292225 (cited by Women's Health and Genetics/Laboratory Corporation of America, LabCorp).